The following is an entry in ClinVar:

ClinVar aggregate classification (germline): Pathogenic (0 of 4 stars; one submission).

Conditions:
Holoprosencephaly 3 (HPE3). Identifiers: Orphanet 2162, MedGen C1840529, MONDO:0007733, OMIM 142945.

Submission:

GeneReviews
Classification: Pathogenic for Holoprosencephaly. Last evaluated: 2013-08-29. Review status: no assertion criteria provided. Collection method: curation. Allele origin: unknown.
ClinVar note: Converted during submission from pathologic to Pathogenic.

c.1308C>T

Variant type: single nucleotide variant.
Identifiers: ClinVar variation 65846 (VCV000065846.2).